The following is an entry in ClinVar:

ClinVar aggregate classification (germline): Uncertain significance. Review status: criteria provided, multiple submitters, no conflicts (2 of 4 stars). 3 submissions from 3 submitters: Uncertain significance (3). Last evaluated 2026-02-01.

Conditions:
Inborn genetic diseases. Identifiers: MedGen C0950123, MeSH D030342.

Allele frequency attached by ClinVar (database versions not stated): TOPMed 0.00001; gnomAD exomes 0.00002 and 0.00003; ExAC 0.00003; gnomAD 0.00003 and 0.00004.
gnomAD v4.1: 46 of 1,607,378 alleles (0.0029%); highest among the groups gnomAD compares: Non-Finnish European, 0.0039%; no homozygotes.

Submissions (3):

Labcorp Genetics (formerly Invitae), Labcorp
Classification: Uncertain significance. Last evaluated: 2026-02-01. Review status: criteria provided, single submitter. Criteria: Invitae Variant Classification Sherloc (09022015). Collection method: clinical testing. Allele origin: germline.
Comment: This sequence change replaces aspartic acid, which is acidic and polar, with glycine, which is neutral and non-polar, at codon 579 of the NDST1 protein (p.Asp579Gly). This variant is present in population databases (rs763682889, gnomAD 0.008%). This variant has not been reported in the literature in individuals affected with NDST1-related conditions. ClinVar contains an entry for this variant (Variation ID: 1449617). Invitae Evidence Modeling of protein sequence and biophysical properties (such as structural, functional, and spatial information, amino acid conservation, physicochemical variation, residue mobility, and thermodynamic stability) indicates that this missense variant is not expected to disrupt NDST1 protein function with a negative predictive value of 80%. In summary, the available evidence is currently insufficient to determine the role of this variant in disease. Therefore, it has been classified as a Variant of Uncertain Significance.

Blueprint Genetics
Classification: Uncertain significance. Last evaluated: 2024-04-19. Review status: criteria provided, single submitter. Criteria: ACMG Guidelines, 2015. Collection method: clinical testing. Allele origin: germline.

Ambry Genetics
Classification: Uncertain significance for Inborn genetic diseases. Last evaluated: 2023-07-11. Review status: criteria provided, single submitter. Criteria: Ambry Variant Classification Scheme 2023. Collection method: clinical testing. Allele origin: germline.

NM_001543.5(NDST1):c.1736A>G (p.Asp579Gly)

Gene: NDST1 (N-deacetylase and N-sulfotransferase 1; plus strand). Cytogenetic location: 5q33.1.
Variant type: single nucleotide variant.
Coding change: c.1736A>G on transcript NM_001543.5 (MANE Select); coding-DNA position 1736, A replaced by G.
Protein change: p.Asp579Gly; replaces aspartic acid 579 with glycine.
Molecular consequence: missense variant.
Genome position (GRCh38, 1-based): chr5:150,540,251, A>G. VCF-style: chr5-150540251-A-G. GRCh37 (hg19) VCF-style: chr5-149919813-A-G.
Other names: c.1736A>G (NM_001543.4); c.1736A>G, p.Asp579Gly (NM_001301063.2); short protein forms D579G.
Identifiers: ClinVar variation 1449617 (VCV001449617.9), dbSNP rs763682889, ClinGen allele CA3512756.